The following is an entry in ClinVar:

ClinVar aggregate classification (germline): Benign/Likely benign. Review status: criteria provided, multiple submitters, no conflicts (2 of 4 stars). 5 submissions from 5 submitters: Benign (2); Likely benign (2). 1 of the submissions does not count toward it. Last evaluated 2026-09-01.

Conditions:
KMT2D-related disorder. Also called: KMT2D-Related Disorders.
Kabuki syndrome. Also called: NIIKAWA-KUROKI SYNDROME; Kabuki make-up syndrome. Identifiers: Orphanet 2322, MedGen C0796004, MONDO:0016512.

Allele frequency attached by ClinVar (database versions not stated): 1000 Genomes Project 0.00080; 1000 Genomes Project 30x 0.00094; ESP Exome Variant Server 0.00131.
gnomAD v4.1: 376 of 1,594,982 alleles (0.024%); highest among the groups gnomAD compares: African/African-American, 0.44%; 3 homozygotes.

Submissions (5):

CeGaT Center for Human Genetics Tuebingen
Classification: Likely benign. Last evaluated: 2026-09-01. Review status: criteria provided, single submitter. Criteria: CeGaT Center For Human Genetics Tuebingen Variant Classification Criteria Version 2. Collection method: clinical testing. Allele origin: germline. Affected: yes. Observed: 3 variant alleles.
Comment: KMT2D: PP3, BS1

Labcorp Genetics (formerly Invitae), Labcorp
Classification: Benign for Kabuki syndrome. Last evaluated: 2026-02-02. Review status: criteria provided, single submitter. Criteria: Invitae Variant Classification Sherloc (09022015). Collection method: clinical testing. Allele origin: germline.

Blueprint Genetics
Classification: Likely benign. Last evaluated: 2024-08-06. Review status: criteria provided, single submitter. Criteria: ACMG Guidelines, 2015. Collection method: clinical testing. Allele origin: germline.

GeneDx
Classification: Benign. Last evaluated: 2019-03-14. Review status: criteria provided, single submitter. Criteria: GeneDx Variant Classification Process June 2021. Collection method: clinical testing. Allele origin: germline. Affected: yes.

PreventionGenetics, part of Exact Sciences
Classification: Likely benign for KMT2D-related condition. Last evaluated: 2019-03-05. Review status: no assertion criteria provided. Collection method: clinical testing. Allele origin: germline. Not counted in ClinVar's aggregate classification.
Comment: This variant is classified as likely benign based on ACMG/AMP sequence variant interpretation guidelines (Richards et al. 2015 PMID: 25741868, with internal and published modifications).

NM_003482.4(KMT2D):c.5967G>A (p.Thr1989=)

Gene: KMT2D (lysine methyltransferase 2D; minus strand). Cytogenetic location: 12q13.12.
Variant type: single nucleotide variant.
Coding change: c.5967G>A on transcript NM_003482.4 (MANE Select); coding-DNA position 5967, G replaced by A.
Protein change: p.Thr1989=; no amino-acid change (threonine 1989 retained).
Molecular consequence: synonymous variant.
Genome position (GRCh38, 1-based): chr12:49,042,231, C>T on the plus strand (G>A on the coding strand, the complement: KMT2D is on the minus strand). VCF-style: chr12-49042231-C-T. GRCh37 (hg19) VCF-style: chr12-49436014-C-T.
Identifiers: ClinVar variation 1164297 (VCV001164297.36), dbSNP rs199555915, ClinGen allele CA6547388.
Genomic context (GRCh38, chr12:49,042,231, plus strand): 5'-ATCCTTCTCCCAGCGCTGAAGACTCCGCTGGTTATAGGAGAGTCCGTCGCCCTCACCCTC[C>T]GTGGTGGGGGTTGTGGGGGTGGAGGGCGTGGTGCCACCTGAGCCCGTCCAGGGGCTGTCG-3'
Protein context (NP_003473.3, residues 1979-1999): TTPSTPTTPT[Thr1989=]EGEGDGLSYN